The following is an entry in ClinVar:

NM_016525.5(UBAP1):c.998C>T (p.Pro333Leu)

Gene: UBAP1 (ubiquitin associated protein 1; plus strand). Cytogenetic location: 9p13.3.
Variant type: single nucleotide variant.
Coding change: c.998C>T on transcript NM_016525.5 (MANE Select); coding-DNA position 998, C replaced by T.
Protein change: p.Pro333Leu; replaces proline 333 with leucine.
Molecular consequence: missense variant. On other transcripts: non-coding transcript variant (1).
Genome position (GRCh38, 1-based): chr9:34,242,023, C>T. VCF-style: chr9-34242023-C-T. GRCh37 (hg19) VCF-style: chr9-34242021-C-T.
Other names: c.1190C>T, p.Pro397Leu (NM_001171201.1); c.1106C>T, p.Pro369Leu (NM_001171202.1); c.998C>T, p.Pro333Leu (NM_001171203.3, NM_001171204.3); short protein forms P333L, P369L, P397L.
Identifiers: ClinVar variation 4076286 (VCV004076286.1).

ClinVar aggregate classification (germline): Uncertain significance (1 of 4 stars; one submission).

Conditions:
Spastic paraplegia 80, autosomal dominant. Identifiers: Orphanet 631068, MedGen C5193084, MONDO:0032737, OMIM 618418.

gnomAD v4.1: 2 of 1,614,060 alleles (0.00012%); highest among the groups gnomAD compares: Admixed American, 0.0017%; no homozygotes.

Submission:

Laboratorio de Genetica e Diagnostico Molecular, Hospital Israelita Albert Einstein
Classification: Uncertain significance for Spastic paraplegia 80, autosomal dominant. Last evaluated: 2024-08-09. Review status: criteria provided, single submitter. Criteria: ACMG Guidelines, 2015. Collection method: clinical testing. Allele origin: germline. Affected: yes.
Comment: ACMG classification criteria: PM2 supporting, BP4 supporting